The following is an entry in ClinVar:

NM_001367624.2(ZNF469):c.9008C>T (p.Pro3003Leu)

Gene: ZNF469 (zinc finger protein 469; plus strand). Cytogenetic location: 16q24.2.
Variant type: single nucleotide variant.
Coding change: c.9008C>T on transcript NM_001367624.2 (MANE Select); coding-DNA position 9008, C replaced by T.
Protein change: p.Pro3003Leu; replaces proline 3003 with leucine.
Molecular consequence: missense variant.
Genome position (GRCh38, 1-based): chr16:88,436,478, C>T. VCF-style: chr16-88436478-C-T. GRCh37 (hg19) VCF-style: chr16-88502886-C-T.
Other names: NM_001127464.1:c.8924C>T; NM_001127464.2:c.8924C>T; short protein forms P3003L.
Identifiers: ClinVar variation 1206565 (VCV001206565.18), dbSNP rs774968087, ClinGen allele CA8225393.

ClinVar aggregate classification (germline): Conflicting classifications of pathogenicity. Review status: criteria provided, conflicting classifications (1 of 4 stars). 6 submissions from 6 submitters: Uncertain significance (5); Likely benign (1). Last evaluated 2026-07-29.

Conditions:
Cardiovascular phenotype. Identifiers: MedGen CN230736.
ZNF469-related disorder. Also called: ZNF469-related condition.

Allele frequency attached by ClinVar (database versions not stated): gnomAD exomes 0.00006; ExAC 0.00013; TOPMed 0.00015.
gnomAD v4.1: 83 of 1,546,676 alleles (0.0054%); highest among the groups gnomAD compares: Middle Eastern, 0.017%; no homozygotes.

Submissions (6):

PreventionGenetics, part of Exact Sciences
Classification: Uncertain significance for ZNF469-related condition. Last evaluated: 2026-07-29. Review status: criteria provided, single submitter. Criteria: ACMG Guidelines, 2015. Collection method: clinical testing. Allele origin: germline.
Comment: The ZNF469 c.8924C>T variant is predicted to result in the amino acid substitution p.Pro2975Leu. To our knowledge, this variant has not been reported in the literature. This variant is reported in 0.019% of alleles in individuals of East Asian descent in gnomAD. At this time, the clinical significance of this variant is uncertain due to the absence of conclusive functional and genetic evidence.

Women's Health and Genetics/Laboratory Corporation of America, LabCorp
Classification: Uncertain significance. Last evaluated: 2026-05-04. Review status: criteria provided, single submitter. Criteria: LabCorp Variant Classification Summary - May 2015. Collection method: clinical testing. Allele origin: germline.
Comment: Variant summary: ZNF469 c.9008C>T (p.Pro3003Leu) results in a non-conservative amino acid change in the encoded protein sequence. Algorithms developed to predict the effect of missense changes on protein structure and function are either unavailable or do not agree on the potential impact of this missense change. The variant allele was found at a frequency of 6.1e-05 in 146556 control chromosomes. The available data on variant occurrences in the general population are insufficient to allow any conclusion about variant significance. To our knowledge, no occurrence of c.9008C>T in individuals affected with ZNF469-related conditions and no experimental evidence demonstrating its impact on protein function have been reported. ClinVar contains an entry for this variant (Variation ID: 1206565). Based on the evidence outlined above, the variant was classified as uncertain significance.

Ambry Genetics
Classification: Likely benign for Cardiovascular phenotype. Last evaluated: 2025-05-03. Review status: criteria provided, single submitter. Criteria: Ambry Variant Classification Scheme 2023. Collection method: clinical testing. Allele origin: germline.

Labcorp Genetics (formerly Invitae), Labcorp
Classification: Uncertain significance. Last evaluated: 2024-11-27. Review status: criteria provided, single submitter. Criteria: Invitae Variant Classification Sherloc (09022015). Collection method: clinical testing. Allele origin: germline.
Comment: This sequence change replaces proline, which is neutral and non-polar, with leucine, which is neutral and non-polar, at codon 2975 of the ZNF469 protein (p.Pro2975Leu). This variant is present in population databases (rs774968087, gnomAD 0.02%). This variant has not been reported in the literature in individuals affected with ZNF469-related conditions. ClinVar contains an entry for this variant (Variation ID: 1206565). An algorithm developed to predict the effect of missense changes on protein structure and function outputs the following: PolyPhen-2: "Benign". The leucine amino acid residue is found in multiple mammalian species, which suggests that this missense change does not adversely affect protein function. In summary, the available evidence is currently insufficient to determine the role of this variant in disease. Therefore, it has been classified as a Variant of Uncertain Significance.

GeneDx
Classification: Uncertain significance. Last evaluated: 2024-05-29. Review status: criteria provided, single submitter. Criteria: GeneDx Variant Classification Process June 2021. Collection method: clinical testing. Allele origin: germline. Affected: yes.
Comment: Has not been previously published as pathogenic or benign to our knowledge; In silico analysis indicates that this missense variant does not alter protein structure/function

Breakthrough Genomics
Classification: Uncertain significance. Review status: criteria provided, single submitter. Criteria: ACMG Guidelines, 2015. Collection method: not provided. Allele origin: germline. Inheritance: Autosomal recessive inheritance. Affected: yes.